The following is an entry in ClinVar:

ClinVar aggregate classification (germline): Uncertain significance (1 of 4 stars; one submission).

Allele frequency attached by ClinVar (database versions not stated): gnomAD 0.00001; gnomAD exomes 0.00001; TOPMed 0.00001; ExAC 0.00002.
gnomAD v4.1: 12 of 1,613,958 alleles (0.00074%); highest among the groups gnomAD compares: Non-Finnish European, 0.001%; no homozygotes.

Submission:

Labcorp Genetics (formerly Invitae), Labcorp
Classification: Uncertain significance. Last evaluated: 2022-04-29. Review status: criteria provided, single submitter. Criteria: Invitae Variant Classification Sherloc (09022015). Collection method: clinical testing. Allele origin: germline.
Comment: In summary, the available evidence is currently insufficient to determine the role of this variant in disease. Therefore, it has been classified as a Variant of Uncertain Significance. Algorithms developed to predict the effect of sequence changes on RNA splicing suggest that this variant may disrupt the consensus splice site. This variant has not been reported in the literature in individuals affected with FN1-related conditions. This variant is present in population databases (rs746233051, gnomAD 0.004%). This sequence change affects codon 1321 of the FN1 mRNA. It is a 'silent' change, meaning that it does not change the encoded amino acid sequence of the FN1 protein.

NM_212482.4(FN1):c.3963A>G (p.Gly1321=)

Gene: FN1 (fibronectin 1; minus strand). Cytogenetic location: 2q35.
Variant type: single nucleotide variant.
Coding change: c.3963A>G on transcript NM_212482.4 (MANE Select); coding-DNA position 3963, A replaced by G.
Protein change: p.Gly1321=; no amino-acid change (glycine 1321 retained).
Molecular consequence: synonymous variant. On other transcripts: intron variant (10).
Genome position (GRCh38, 1-based): chr2:215,393,037, T>C on the plus strand (A>G on the coding strand, the complement: FN1 is on the minus strand). VCF-style: chr2-215393037-T-C. GRCh37 (hg19) VCF-style: chr2-216257760-T-C.
Other names: c.3963A>G, p.Gly1321= (NM_001306129.2, NM_001306130.2, NM_001365517.2 and 3 more transcripts); c.3797-1223A>G (NM_212474.3, NM_001306132.2, NM_001365523.2 and 7 more transcripts).
Identifiers: ClinVar variation 2129855 (VCV002129855.4), dbSNP rs746233051, ClinGen allele CA2094567.
Genomic context (GRCh38, chr2:215,393,037, plus strand): 5'-GAGAGTGATAACGCTGATATCATAGTCAATGCCCGGCTCCAGCCCTGTGACTGTGTAGTA[T>C]CCTACTGAGGAGTCCACAAAATCTTCAAAAATAGGGATACCTTCTCCTGCCGCAACTACT-3'
Protein context (NP_997647.2, residues 1311-1331): IFEDFVDSSV[Gly1321=]YYTVTGLEPG